The following is an entry in ClinVar:

NM_002972.4(SBF1):c.3209G>A (p.Arg1070His)

Gene: SBF1 (SET binding factor 1; minus strand). Cytogenetic location: 22q13.33.
Variant type: single nucleotide variant.
Coding change: c.3209G>A on transcript NM_002972.4 (MANE Select); coding-DNA position 3209, G replaced by A.
Protein change: p.Arg1070His; replaces arginine 1070 with histidine.
Molecular consequence: missense variant.
Genome position (GRCh38, 1-based): chr22:50,460,346, C>T on the plus strand (G>A on the coding strand, the complement: SBF1 is on the minus strand). VCF-style: chr22-50460346-C-T. GRCh37 (hg19) VCF-style: chr22-50898775-C-T.
Other names: p.Arg1070His; c.3212G>A, p.Arg1071His (NM_001365819.1); short protein forms R1070H, R1071H.
Identifiers: ClinVar variation 1216839 (VCV001216839.11), dbSNP rs375861754, ClinGen allele CA10316825.

ClinVar aggregate classification (germline): Uncertain significance. Review status: criteria provided, multiple submitters, no conflicts (2 of 4 stars). 5 submissions from 5 submitters: Uncertain significance (5). Last evaluated 2026-09-24.

Allele frequency attached by ClinVar (database versions not stated): gnomAD exomes 0.00005; ExAC 0.00007; ESP Exome Variant Server 0.00008; TOPMed 0.00003; gnomAD 0.00004.

Submissions (5):

GeneDx
Classification: Uncertain significance. Last evaluated: 2026-09-24. Review status: criteria provided, single submitter. Criteria: GeneDx Variant Classification Process June 2021. Collection method: clinical testing. Allele origin: germline.
Comment: Not observed at significant frequency in large population cohorts (gnomAD); In silico analysis supports that this missense variant has a deleterious effect on protein structure/function; Has not been previously published as pathogenic or benign to our knowledge

Mayo Clinic Laboratories, Mayo Clinic
Classification: Uncertain significance. Last evaluated: 2025-10-08. Review status: criteria provided, single submitter. Criteria: ACMG Guidelines, 2015. Collection method: clinical testing. Allele origin: germline. Observed: 1 variant allele.
Comment: BP4_moderate

Blueprint Genetics
Classification: Uncertain significance. Last evaluated: 2024-08-15. Review status: criteria provided, single submitter. Criteria: ACMG Guidelines, 2015. Collection method: clinical testing. Allele origin: germline.

Ambry Genetics
Classification: Uncertain significance. Last evaluated: 2023-03-14. Review status: criteria provided, single submitter. Criteria: Ambry Variant Classification Scheme 2023. Collection method: clinical testing. Allele origin: germline.

Labcorp Genetics (formerly Invitae), Labcorp
Classification: Uncertain significance. Last evaluated: 2022-08-23. Review status: criteria provided, single submitter. Criteria: Invitae Variant Classification Sherloc (09022015). Collection method: clinical testing. Allele origin: germline.
Comment: This sequence change replaces arginine, which is basic and polar, with histidine, which is basic and polar, at codon 1070 of the SBF1 protein (p.Arg1070His). This variant is present in population databases (rs375861754, gnomAD 0.01%). This variant has not been reported in the literature in individuals affected with SBF1-related conditions. ClinVar contains an entry for this variant (Variation ID: 1216839). Algorithms developed to predict the effect of missense changes on protein structure and function are either unavailable or do not agree on the potential impact of this missense change (SIFT: "Deleterious"; PolyPhen-2: "Probably Damaging"; Align-GVGD: "Class C0"). In summary, the available evidence is currently insufficient to determine the role of this variant in disease. Therefore, it has been classified as a Variant of Uncertain Significance.